The following is an entry in ClinVar:

ClinVar aggregate classification (germline): Uncertain significance. Review status: criteria provided, multiple submitters, no conflicts (2 of 4 stars). 2 submissions from 2 submitters: Uncertain significance (2). Last evaluated 2024-02-06.

Conditions:
Idiopathic Pulmonary Fibrosis. Also called: Idiopathic fibrosing alveolitis, chronic form; idiopathic fibrosing alveolitis. Identifiers: Orphanet 2032, MedGen C1800706, MeSH D054990, MONDO:0800504.
Dyskeratosis congenita, autosomal dominant 2. Identifiers: MedGen C3151443, MONDO:0013521, OMIM 613989.
Dyskeratosis congenita. Identifiers: Orphanet 1775, MedGen C0265965, MONDO:0015780.

Submissions (2):

Ambry Genetics
Classification: Uncertain significance for Dyskeratosis congenita. Last evaluated: 2024-02-06. Review status: criteria provided, single submitter. Criteria: Ambry Variant Classification Scheme 2023. Collection method: clinical testing. Allele origin: germline.
Comment: The p.K1106R variant (also known as c.3317A>G), located in coding exon 16 of the TERT gene, results from an A to G substitution at nucleotide position 3317. The lysine at codon 1106 is replaced by arginine, an amino acid with highly similar properties. This amino acid position is conserved. In addition, this alteration is predicted to be tolerated by in silico analysis. Based on the available evidence, the clinical significance of this alteration remains unclear.

Labcorp Genetics (formerly Invitae), Labcorp
Classification: Uncertain significance for Dyskeratosis congenita, autosomal dominant 2; Idiopathic Pulmonary Fibrosis. Last evaluated: 2018-12-04. Review status: criteria provided, single submitter. Criteria: Invitae Variant Classification Sherloc (09022015). Collection method: clinical testing. Allele origin: germline.
Comment: In summary, the available evidence is currently insufficient to determine the role of this variant in disease. Therefore, it has been classified as a Variant of Uncertain Significance. Algorithms developed to predict the effect of missense changes on protein structure and function output the following: SIFT: "Tolerated"; PolyPhen-2: "Benign"; Align-GVGD: "Class C0". The arginine amino acid residue is found in multiple mammalian species, suggesting that this missense change does not adversely affect protein function. These predictions have not been confirmed by published functional studies and their clinical significance is uncertain. This variant has not been reported in the literature in individuals with TERT-related conditions. This variant is not present in population databases (ExAC no frequency). This sequence change replaces lysine with arginine at codon 1106 of the TERT protein (p.Lys1106Arg). The lysine residue is weakly conserved and there is a small physicochemical difference between lysine and arginine.

NM_198253.3(TERT):c.3317A>G (p.Lys1106Arg)

Gene: TERT (telomerase reverse transcriptase; minus strand). Cytogenetic location: 5p15.33.
Variant type: single nucleotide variant.
Coding change: c.3317A>G on transcript NM_198253.3 (MANE Select); coding-DNA position 3317, A replaced by G.
Protein change: p.Lys1106Arg; replaces lysine 1106 with arginine.
Molecular consequence: missense variant. On other transcripts: non-coding transcript variant (2).
Genome position (GRCh38, 1-based): chr5:1,253,810, T>C on the plus strand (A>G on the coding strand, the complement: TERT is on the minus strand). VCF-style: chr5-1253810-T-C. GRCh37 (hg19) VCF-style: chr5-1253925-T-C.
Other names: c.3128A>G, p.Lys1043Arg (NM_001193376.3); short protein forms K1106R, K1043R.
Identifiers: ClinVar variation 649169 (VCV000649169.10), dbSNP rs1579541749, ClinGen allele CA359066837.